The following is an entry in ClinVar:

ClinVar aggregate classification (germline): Uncertain significance (1 of 4 stars; one submission).

Allele frequency attached by ClinVar (database versions not stated): TOPMed below 0.00001.
gnomAD v4.1: 5 of 1,613,350 alleles (0.00031%); highest among the groups gnomAD compares: Non-Finnish European, 0.00042%; no homozygotes.

Submission:

Labcorp Genetics (formerly Invitae), Labcorp
Classification: Uncertain significance. Last evaluated: 2022-08-18. Review status: criteria provided, single submitter. Criteria: Invitae Variant Classification Sherloc (09022015). Collection method: clinical testing. Allele origin: germline.
Comment: In summary, the available evidence is currently insufficient to determine the role of this variant in disease. Therefore, it has been classified as a Variant of Uncertain Significance. Algorithms developed to predict the effect of missense changes on protein structure and function output the following: SIFT: "Tolerated"; PolyPhen-2: "Benign"; Align-GVGD: "Class C0". The tyrosine amino acid residue is found in multiple mammalian species, which suggests that this missense change does not adversely affect protein function. This variant has not been reported in the literature in individuals affected with MYLK3-related conditions. This variant is not present in population databases (gnomAD no frequency). This sequence change replaces serine, which is neutral and polar, with tyrosine, which is neutral and polar, at codon 70 of the MYLK3 protein (p.Ser70Tyr).

NM_182493.3(MYLK3):c.209C>A (p.Ser70Tyr)

Gene: MYLK3 (myosin light chain kinase 3; minus strand). Cytogenetic location: 16q11.2.
Variant type: single nucleotide variant.
Coding change: c.209C>A on transcript NM_182493.3 (MANE Select); coding-DNA position 209, C replaced by A.
Protein change: p.Ser70Tyr; replaces serine 70 with tyrosine.
Molecular consequence: missense variant. On other transcripts: intron variant (1).
Genome position (GRCh38, 1-based): chr16:46,747,985, G>T on the plus strand (C>A on the coding strand, the complement: MYLK3 is on the minus strand). VCF-style: chr16-46747985-G-T. GRCh37 (hg19) VCF-style: chr16-46781897-G-T.
Other names: c.-113-7838C>A (NM_001308301.1); short protein forms S70Y.
Identifiers: ClinVar variation 2086242 (VCV002086242.4), dbSNP rs916614885, ClinGen allele CA280241465.